The following is an entry in ClinVar:

ClinVar aggregate classification (germline): Pathogenic (1 of 4 stars; one submission).

Conditions:
Hereditary spastic paraplegia 63. Also called: Spastic paraplegia 63, autosomal recessive. Identifiers: Orphanet 401805, MedGen C3810295, MONDO:0014305, OMIM 615686.
Pontocerebellar hypoplasia type 9. Identifiers: Orphanet 369920, MedGen C4014354, MONDO:0014351, OMIM 615809.

Submission:

Labcorp Genetics (formerly Invitae), Labcorp
Classification: Pathogenic for Pontocerebellar hypoplasia type 9; Hereditary spastic paraplegia 63. Last evaluated: 2022-06-11. Review status: criteria provided, single submitter. Criteria: Invitae Variant Classification Sherloc (09022015). Collection method: clinical testing. Allele origin: germline.
Comment: For these reasons, this variant has been classified as Pathogenic. This variant has not been reported in the literature in individuals affected with AMPD2-related conditions. This variant is not present in population databases (gnomAD no frequency). This sequence change creates a premature translational stop signal (p.Gln161*) in the AMPD2 gene. It is expected to result in an absent or disrupted protein product. Loss-of-function variants in AMPD2 are known to be pathogenic (PMID: 23911318).

Literature cited by the submitters: PubMed 23911318.

NM_001368809.2(AMPD2):c.319C>T (p.Gln107Ter)

Gene: AMPD2 (adenosine monophosphate deaminase 2; plus strand). Cytogenetic location: 1p13.3.
Variant type: single nucleotide variant.
Coding change: c.319C>T on transcript NM_001368809.2 (MANE Select); coding-DNA position 319, C replaced by T.
Protein change: p.Gln107Ter; replaces glutamine 107 with a stop codon.
Molecular consequence: nonsense.
Genome position (GRCh38, 1-based): chr1:109,625,758, C>T. VCF-style: chr1-109625758-C-T. GRCh37 (hg19) VCF-style: chr1-110168380-C-T.
Other names: c.481C>T, p.Gln161Ter (NM_001257360.2); c.127C>T, p.Gln43Ter (NM_001257361.2); c.256C>T, p.Gln86Ter (NM_001308170.1); c.319C>T, p.Gln107Ter (NM_004037.9); c.238C>T, p.Gln80Ter (NM_139156.4); short protein forms Q107*, Q43*, Q86*, Q161*, Q80*.
Identifiers: ClinVar variation 2004862 (VCV002004862.4), dbSNP rs2524398223, ClinGen allele CA341554493.